The following is an entry in ClinVar:

NM_000493.4(COL10A1):c.1861G>A (p.Val621Ile)

Genes: COL10A1 (collagen type X alpha 1 chain; minus strand), NT5DC1 (5'-nucleotidase domain containing 1; plus strand). Cytogenetic location: 6q22.1.
Variant type: single nucleotide variant.
Coding change: c.1861G>A on transcript NM_000493.4 (MANE Select); coding-DNA position 1861, G replaced by A.
Protein change: p.Val621Ile; replaces valine 621 with isoleucine.
Molecular consequence: missense variant. On other transcripts: intron variant (1).
Genome position (GRCh38, 1-based): chr6:116,120,255, C>T on the plus strand (G>A on the coding strand, the complement: COL10A1 is on the minus strand). VCF-style: chr6-116120255-C-T. GRCh37 (hg19) VCF-style: chr6-116441418-C-T.
Other names: c.1861G>A, p.Val621Ile (NM_001424107.1, NM_001424106.1); c.529+2310C>T (NM_152729.3); short protein forms V621I.
Identifiers: ClinVar variation 2701603 (VCV002701603.3), dbSNP rs2534084197, ClinGen allele CA365386617.
Genomic context (GRCh38, chr6:116,120,255, plus strand): 5'-TGGCACTCCCTGAAGCCTGATCCAGGTAGCCTTTGGTGTATTCATCATAGGTGTACATTA[C>T]AGGGGTGCCATTCTTATACAGGCCTACCCAAACATGAGTCCCTTTCACATGCACGTGGTA-3'
Protein context (NP_000484.2, residues 611-631): WVGLYKNGTP[Val621Ile]MYTYDEYTKG

ClinVar aggregate classification (germline): Uncertain significance (1 of 4 stars; one submission).

Submission:

Labcorp Genetics (formerly Invitae), Labcorp
Classification: Uncertain significance. Last evaluated: 2023-12-11. Review status: criteria provided, single submitter. Criteria: Invitae Variant Classification Sherloc (09022015). Collection method: clinical testing. Allele origin: germline.
Comment: This sequence change replaces valine, which is neutral and non-polar, with isoleucine, which is neutral and non-polar, at codon 621 of the COL10A1 protein (p.Val621Ile). This variant is not present in population databases (gnomAD no frequency). This variant has not been reported in the literature in individuals affected with COL10A1-related conditions. Advanced modeling of protein sequence and biophysical properties (such as structural, functional, and spatial information, amino acid conservation, physicochemical variation, residue mobility, and thermodynamic stability) performed at Invitae indicates that this missense variant is not expected to disrupt COL10A1 protein function with a negative predictive value of 80%. In summary, the available evidence is currently insufficient to determine the role of this variant in disease. Therefore, it has been classified as a Variant of Uncertain Significance.